The following is an entry in ClinVar:

NM_144508.5(KNL1):c.6604G>T (p.Glu2202Ter)

Gene: KNL1 (kinetochore scaffold 1; plus strand). Cytogenetic location: 15q15.1.
Variant type: single nucleotide variant.
Coding change: c.6604G>T on transcript NM_144508.5 (MANE Select); coding-DNA position 6604, G replaced by T.
Protein change: p.Glu2202Ter; replaces glutamic acid 2202 with a stop codon.
Molecular consequence: nonsense.
Genome position (GRCh38, 1-based): chr15:40,657,364, G>T. VCF-style: chr15-40657364-G-T. GRCh37 (hg19) VCF-style: chr15-40949562-G-T.
Other names: c.6682G>T, p.Glu2228Ter (NM_170589.5); short protein forms E2202*, E2228*.
Identifiers: ClinVar variation 5002876 (VCV005002876.1).

ClinVar aggregate classification (germline): Likely pathogenic (1 of 4 stars; one submission).

Conditions:
Microcephaly 4, primary, autosomal recessive. Identifiers: Orphanet 2512, MedGen C1858516, MONDO:0011437, OMIM 604321.

Submission:

OLLIN Analises Genomicas, OLLIN
Classification: Likely pathogenic for Microcephaly 4, primary, autosomal recessive. Last evaluated: 2026-08-06. Review status: criteria provided, single submitter. Criteria: ACMG Guidelines 2015 PMID 25741868. Collection method: clinical testing. Allele origin: germline.
Comment: This nonsense variant, located in exon 24 (of 26), is absent from gnomAD and ClinVar and has not been identified in the literature. This variant introduces a premature stop codon, which is predicted to result in either a truncated protein or degradation of the mRNA via nonsense-mediated decay (NMD). According to the currently available evidence, this variant has been classified as likely pathogenic (PVS1_VS, PM2_P).